The following is an entry in ClinVar:

ClinVar aggregate classification (germline): Uncertain significance (1 of 4 stars; one submission).

Allele frequency attached by ClinVar (database versions not stated): gnomAD exomes below 0.00001.

Submission:

Labcorp Genetics (formerly Invitae), Labcorp
Classification: Uncertain significance. Last evaluated: 2022-09-17. Review status: criteria provided, single submitter. Criteria: Invitae Variant Classification Sherloc (09022015). Collection method: clinical testing. Allele origin: germline.
Comment: This sequence change falls in intron 14 of the ACAD9 gene. It does not directly change the encoded amino acid sequence of the ACAD9 protein. It affects a nucleotide within the consensus splice site. This variant is present in population databases (no rsID available, gnomAD 0.006%). This variant has not been reported in the literature in individuals affected with ACAD9-related conditions. ClinVar contains an entry for this variant (Variation ID: 1494713). Variants that disrupt the consensus splice site are a relatively common cause of aberrant splicing (PMID: 17576681, 9536098). Algorithms developed to predict the effect of sequence changes on RNA splicing suggest that this variant may disrupt the consensus splice site. In summary, the available evidence is currently insufficient to determine the role of this variant in disease. Therefore, it has been classified as a Variant of Uncertain Significance.

Literature cited by the submitters: PubMed 17576681; PubMed 9536098.

NM_014049.5(ACAD9):c.1485+6T>A

Gene: ACAD9 (acyl-CoA dehydrogenase family member 9; plus strand). Cytogenetic location: 3q21.3.
Variant type: single nucleotide variant.
Coding change: c.1485+6T>A on transcript NM_014049.5 (MANE Select); 6 bases into the intron after coding-DNA position 1485, T replaced by A.
Molecular consequence: intron variant.
Genome position (GRCh38, 1-based): chr3:128,909,105, T>A. VCF-style: chr3-128909105-T-A. GRCh37 (hg19) VCF-style: chr3-128627948-T-A.
Identifiers: ClinVar variation 1494713 (VCV001494713.3), dbSNP rs1427738193, ClinGen allele CA546182740.